The following is an entry in ClinVar:

NM_001142800.2(EYS):c.1766+2598del

Gene: EYS (EGF-like photoreceptor maintenance factor; minus strand). Cytogenetic location: 6q12.
Variant type: Deletion.
Coding change: c.1766+2598del on transcript NM_001142800.2 (MANE Select); 2598 bases into the intron after coding-DNA position 1766, one base deleted (A; older notation c.1766+2598delA).
Molecular consequence: intron variant. On other transcripts: frameshift variant (1).
Genome position (GRCh38, 1-based): chr6:65,332,382, T deleted on the plus strand (A on the coding strand, the reverse complement: EYS is on the minus strand). VCF-style (leftmost placement, unchanged base first): chr6-65332381-CT-C. GRCh37 (hg19) VCF-style: chr6-66042274-CT-C.
Other names: c.1802delA (NM_001142801.1); c.1802del, p.Gln601fs (NM_001142801.2); c.1766+2598del (NM_001292009.2); short protein forms Q601fs.
Identifiers: ClinVar variation 554792 (VCV000554792.5), dbSNP rs765911767, ClinGen allele CA3877605.

ClinVar aggregate classification (germline): Uncertain significance. Review status: criteria provided, multiple submitters, no conflicts (2 of 4 stars). 3 submissions from 3 submitters: Uncertain significance (2). 1 of the submissions does not count toward it. Last evaluated 2026-06-20.

Conditions:
EYS-related disorder. Also called: EYS-related condition.
Retinitis pigmentosa 25 (RP25). Identifiers: Orphanet 791, MedGen C1864446, MONDO:0011272, OMIM 602772.

Allele frequency attached by ClinVar (database versions not stated): gnomAD exomes 0.00013 and 0.00011; ExAC 0.00014; TOPMed 0.00019; ESP Exome Variant Server 0.00032; gnomAD 0.00009.

Submissions (3):

PreventionGenetics, part of Exact Sciences
Classification: Uncertain significance for EYS-related condition. Last evaluated: 2026-06-20. Review status: criteria provided, single submitter. Criteria: ACMG Guidelines, 2015. Collection method: clinical testing. Allele origin: germline.
Comment: The EYS c.1802delA variant is predicted to result in a frameshift and premature protein termination (p.Gln601Argfs*4). This variant is located in a noncoding region within the canonical EYS transcript (NM_001142800.2:c.1766+2598del). To our knowledge, this variant has not been reported in the literature. This variant is reported in 0.016% of alleles in individuals of European (Non-Finnish) descent in gnomAD. At this time, the clinical significance of this variant is uncertain due to the absence of conclusive functional and genetic evidence.

Blueprint Genetics
Classification: Uncertain significance. Last evaluated: 2024-09-23. Review status: criteria provided, single submitter. Criteria: ACMG Guidelines, 2015. Collection method: clinical testing. Allele origin: germline.

Counsyl
Classification: Uncertain significance for Retinitis pigmentosa 25. Last evaluated: 2017-11-03. Review status: no assertion criteria provided. Collection method: clinical testing. Allele origin: unknown. Not counted in ClinVar's aggregate classification.